The following is an entry in ClinVar:

NM_182920.2(ADAMTS9):c.1341C>A (p.Asn447Lys)

Gene: ADAMTS9 (ADAM metallopeptidase with thrombospondin type 1 motif 9; minus strand). Cytogenetic location: 3p14.1.
Variant type: single nucleotide variant.
Coding change: c.1341C>A on transcript NM_182920.2 (MANE Select); coding-DNA position 1341, C replaced by A.
Protein change: p.Asn447Lys; replaces asparagine 447 with lysine.
Molecular consequence: missense variant.
Genome position (GRCh38, 1-based): chr3:64,651,139, G>T on the plus strand (C>A on the coding strand, the complement: ADAMTS9 is on the minus strand). VCF-style: chr3-64651139-G-T. GRCh37 (hg19) VCF-style: chr3-64636815-G-T.
Other names: c.1257C>A, p.Asn419Lys (NM_001318781.2); short protein forms N419K, N447K.
Identifiers: ClinVar variation 2114347 (VCV002114347.3), dbSNP rs2471464642, ClinGen allele CA353459094.

ClinVar aggregate classification (germline): Uncertain significance (1 of 4 stars; one submission).

Submission:

Labcorp Genetics (formerly Invitae), Labcorp
Classification: Uncertain significance. Last evaluated: 2022-09-29. Review status: criteria provided, single submitter. Criteria: Invitae Variant Classification Sherloc (09022015). Collection method: clinical testing. Allele origin: germline.
Comment: This sequence change replaces asparagine, which is neutral and polar, with lysine, which is basic and polar, at codon 447 of the ADAMTS9 protein (p.Asn447Lys). This variant is not present in population databases (gnomAD no frequency). This variant has not been reported in the literature in individuals affected with ADAMTS9-related conditions. Algorithms developed to predict the effect of missense changes on protein structure and function are either unavailable or do not agree on the potential impact of this missense change (SIFT: "Deleterious"; PolyPhen-2: "Benign"; Align-GVGD: "Class C25"). Algorithms developed to predict the effect of sequence changes on RNA splicing suggest that this variant may disrupt the consensus splice site. In summary, the available evidence is currently insufficient to determine the role of this variant in disease. Therefore, it has been classified as a Variant of Uncertain Significance.